The following is an entry in ClinVar:

ClinVar aggregate classification (germline): Likely benign (1 of 4 stars; one submission).

Allele frequency attached by ClinVar (database versions not stated): TOPMed 0.00064; 1000 Genomes Project 0.00100; 1000 Genomes Project 30x 0.00109.
gnomAD v4.1: 96 of 695,548 alleles (0.014%); highest among the groups gnomAD compares: African/African-American, 0.17%; no homozygotes.

Submission:

GeneDx
Classification: Likely benign. Last evaluated: 2015-10-22. Review status: criteria provided, single submitter. Criteria: GeneDx Variant Classification (06012015). Collection method: clinical testing. Allele origin: germline. Affected: yes.
Comment: This variant is considered likely benign or benign based on one or more of the following criteria: it is a conservative change, it occurs at a poorly conserved position in the protein, it is predicted to be benign by multiple in silico algorithms, and/or has population frequency not consistent with disease.

NM_001136193.2(FASTKD2):c.-163T>G

Genes: FASTKD2 (FAST kinase domains 2; plus strand), LOC129935479 (ATAC-STARR-seq lymphoblastoid active region 17028; plus strand). Cytogenetic location: 2q33.3.
Variant type: single nucleotide variant.
Coding change: c.-163T>G on transcript NM_001136193.2 (MANE Select); 163 bases upstream of the start codon, T replaced by G.
Molecular consequence: 5 prime UTR variant.
Genome position (GRCh38, 1-based): chr2:206,765,635, T>G. VCF-style: chr2-206765635-T-G. GRCh37 (hg19) VCF-style: chr2-207630359-T-G.
Other names: c.-178T>G (NM_001136194.2); c.-70T>G (NM_014929.4).
Identifiers: ClinVar variation 380988 (VCV000380988.1), dbSNP rs546021759, ClinGen allele CA16604089.